The following is an entry in ClinVar:

ClinVar aggregate classification (germline): Likely pathogenic (1 of 4 stars; one submission).

Conditions:
Autosomal dominant COL2A1-related disorders.

Submission:

Variantyx, Inc.
Classification: Likely pathogenic for Autosomal dominant COL2A1-related disorders. Last evaluated: 2025-08-20. Review status: criteria provided, single submitter. Criteria: Variantyx Assertion Criteria 2022. Collection method: clinical testing. Allele origin: de novo. Inheritance: Autosomal dominant inheritance. Affected: yes.
Comment: This is a nonsynonymous variant in the COL2A1 gene (OMIM: 120140). Pathogenic variants in this gene have been associated with autosomal dominant COL2A1-related disorders. This variant has not been reported in individuals with COL2A1-related disorders in the databases available for review. The alteration lies within a known hotspot for pathogenic variants or a well-established critical functional domain of the COL2A1 protein (PMID: 7695699, 8218237, 19344236) (PM1) and multiple computational algorithms predict a deleterious effect for this variant (REVEL score: 0.941) (PP3). This variant is absent from control populations (PM2). Based on the current evidence, this variant is classified as likely pathogenic for autosomal dominant COL2A1-related disorders.

Literature cited by the submitters: PubMed 7695699; PubMed 8218237; PubMed 19344236.

NM_001844.5(COL2A1):c.2006G>A (p.Gly669Asp)

Gene: COL2A1 (collagen type II alpha 1 chain; minus strand). Cytogenetic location: 12q13.11.
Variant type: single nucleotide variant.
Coding change: c.2006G>A on transcript NM_001844.5 (MANE Select); coding-DNA position 2006, G replaced by A.
Protein change: p.Gly669Asp; replaces glycine 669 with aspartic acid.
Molecular consequence: missense variant.
Genome position (GRCh38, 1-based): chr12:47,983,428, C>T on the plus strand (G>A on the coding strand, the complement: COL2A1 is on the minus strand). VCF-style: chr12-47983428-C-T. GRCh37 (hg19) VCF-style: chr12-48377211-C-T.
Other names: c.1799G>A, p.Gly600Asp (NM_033150.3); short protein forms G600D, G669D.
Identifiers: ClinVar variation 4850168 (VCV004850168.1).